The following is an entry in ClinVar:

ClinVar aggregate classification (germline): Uncertain significance. Review status: criteria provided, multiple submitters, no conflicts (2 of 4 stars). 2 submissions from 2 submitters: Uncertain significance (2). Last evaluated 2024-12-05.

Conditions:
Inborn genetic diseases. Identifiers: MedGen C0950123, MeSH D030342.

gnomAD v4.1: 42 of 1,613,944 alleles (0.0026%); highest among the groups gnomAD compares: Non-Finnish European, 0.0033%; no homozygotes.

Submissions (2):

Ambry Genetics
Classification: Uncertain significance for Inborn genetic diseases. Last evaluated: 2024-12-05. Review status: criteria provided, single submitter. Criteria: Ambry Variant Classification Scheme 2023. Collection method: clinical testing. Allele origin: germline.

GeneDx
Classification: Uncertain significance. Last evaluated: 2024-09-12. Review status: criteria provided, single submitter. Criteria: GeneDx Variant Classification Process June 2021. Collection method: clinical testing. Allele origin: germline. Affected: yes.
Comment: Not observed at significant frequency in large population cohorts (gnomAD); In silico analysis indicates that this missense variant does not alter protein structure/function; Has not been previously published as pathogenic or benign to our knowledge

NM_013296.5(GPSM2):c.544G>A (p.Val182Met)

Gene: GPSM2 (G protein signaling modulator 2; plus strand). Cytogenetic location: 1p13.3.
Variant type: single nucleotide variant.
Coding change: c.544G>A on transcript NM_013296.5 (MANE Select); coding-DNA position 544, G replaced by A.
Protein change: p.Val182Met; replaces valine 182 with methionine.
Molecular consequence: missense variant.
Genome position (GRCh38, 1-based): chr1:108,898,088, G>A. VCF-style: chr1-108898088-G-A. GRCh37 (hg19) VCF-style: chr1-109440710-G-A.
Other names: c.544G>A, p.Val182Met (NM_001321038.2, NM_001321039.3); short protein forms V182M.
Identifiers: ClinVar variation 3522331 (VCV003522331.2).
Genomic context (GRCh38, chr1:108,898,088, plus strand): 5'-CCTGGTCCCCAGGATGTAGGAGAATTTCCAGAAGAAGTGAGAGATGCTCTGCAGGCAGCC[G>A]TGGATTTTTATGAGTGAGTAGGGGCTGATATGGGCAGTCATGTAGGCCCATCTAAGCCGT-3'
Protein context (NP_037428.3, residues 172-192): EEVRDALQAA[Val182Met]DFYEENLSLV